The following is an entry in ClinVar:

NM_004586.3(RPS6KA3):c.1439A>G (p.Lys480Arg)

Gene: RPS6KA3 (ribosomal protein S6 kinase A3; minus strand). Cytogenetic location: Xp22.12.
Variant type: single nucleotide variant.
Coding change: c.1439A>G on transcript NM_004586.3 (MANE Select); coding-DNA position 1439, A replaced by G.
Protein change: p.Lys480Arg; replaces lysine 480 with arginine.
Molecular consequence: missense variant.
Genome position (GRCh38, 1-based): chrX:20,169,406, T>C on the plus strand (A>G on the coding strand, the complement: RPS6KA3 is on the minus strand). VCF-style: chrX-20169406-T-C. GRCh37 (hg19) VCF-style: chrX-20187524-T-C.
Other names: short protein forms K480R.
Identifiers: ClinVar variation 3750039 (VCV003750039.2).

ClinVar aggregate classification (germline): Uncertain significance (1 of 4 stars; one submission).

Conditions:
Coffin-Lowry syndrome (CLS). Also called: Mental retardation with osteocartilaginous abnormalities; COFFIN-LOWRY SYNDROME, MILD. Identifiers: Orphanet 192, MedGen C0265252, MONDO:0010561, OMIM 303600.
Intellectual developmental disorder, X-linked 19. Also called: Intellectual disability, X-linked 19. Identifiers: Orphanet 777, MedGen C0796225, MONDO:0010447, OMIM 300844.

Submission:

Labcorp Genetics (formerly Invitae), Labcorp
Classification: Uncertain significance for Coffin-Lowry syndrome; Intellectual developmental disorder, X-linked 19. Last evaluated: 2024-09-11. Review status: criteria provided, single submitter. Criteria: Invitae Variant Classification Sherloc (09022015). Collection method: clinical testing. Allele origin: germline.
Comment: This sequence change replaces lysine, which is basic and polar, with arginine, which is basic and polar, at codon 480 of the RPS6KA3 protein (p.Lys480Arg). This variant is not present in population databases (gnomAD no frequency). This variant has not been reported in the literature in individuals affected with RPS6KA3-related conditions. An algorithm developed to predict the effect of missense changes on protein structure and function (PolyPhen-2) suggests that this variant is likely to be tolerated. In summary, the available evidence is currently insufficient to determine the role of this variant in disease. Therefore, it has been classified as a Variant of Uncertain Significance.